The following is an entry in ClinVar:

NM_000038.6(APC):c.3642del (p.Ser1214fs)

Gene: APC (APC regulator of Wnt signaling pathway; plus strand). Cytogenetic location: 5q22.2.
Variant type: Deletion.
Coding change: c.3642del on transcript NM_000038.6 (MANE Select); coding-DNA position 3642, one base deleted (C; older notation c.3642delC).
Protein change: p.Ser1214fs; shifts the reading frame from serine 1214.
Molecular consequence: frameshift variant.
Genome position (GRCh38, 1-based): chr5:112,839,236, C deleted. VCF-style (leftmost placement, unchanged base first): chr5-112839235-GC-G. GRCh37 (hg19) VCF-style: chr5-112174932-GC-G.
Other names: c.3642del, p.Ser1214fs (NM_001127510.3, NM_001354895.2); c.3588del, p.Ser1196fs (NM_001127511.3); c.3696del, p.Ser1232fs (NM_001354896.2); c.3672del, p.Ser1224fs (NM_001354897.2); c.3567del, p.Ser1189fs (NM_001354898.2); c.3558del, p.Ser1186fs (NM_001354899.2); c.3519del, p.Ser1173fs (NM_001354900.2); c.3465del, p.Ser1155fs (NM_001354901.2); and 5 more; short protein forms S1088fs, S1113fs, S1155fs, S1173fs, S1224fs, S1123fs, S1214fs, S1186fs.
Identifiers: ClinVar variation 1446703 (VCV001446703.12), dbSNP rs2149896180, ClinGen allele CA1139770846.

ClinVar aggregate classification (germline): Pathogenic/Likely pathogenic. Review status: criteria provided, multiple submitters, no conflicts (2 of 4 stars). 4 submissions from 4 submitters: Pathogenic (3); Likely pathogenic (1). Last evaluated 2024-05-28.

Conditions:
Hereditary cancer-predisposing syndrome. Also called: Hereditary Cancer Syndrome; Hereditary neoplastic syndrome; Neoplastic Syndromes, Hereditary; Tumor predisposition. Identifiers: Orphanet 140162, MedGen C0027672, MeSH D009386, MONDO:0015356.
Familial adenomatous polyposis 1 (FAP1). Also called: FAMILIAL ADENOMATOUS POLYPOSIS 1, ATTENUATED; POLYPOSIS, ADENOMATOUS INTESTINAL. Identifiers: MedGen C2713442, MONDO:0021056, OMIM 175100. Disease mechanism: loss of function.

Submissions (4):

Ambry Genetics
Classification: Pathogenic for Hereditary cancer-predisposing syndrome. Last evaluated: 2024-05-28. Review status: criteria provided, single submitter. Criteria: Ambry Variant Classification Scheme 2023. Collection method: clinical testing. Allele origin: germline.
Comment: The c.3642delC pathogenic mutation, located in coding exon 15 of the APC gene, results from a deletion of one nucleotide at nucleotide position 3642, causing a translational frameshift with a predicted alternate stop codon (p.S1214Rfs*51). This alteration occurs at the 3' terminus of theAPC gene, is not expected to trigger nonsense-mediated mRNA decay, and impacts the last 1630 amino acids of the protein. However, premature stop codons are typically deleterious in nature and the impacted region is critical for protein function and a significant portion of the protein is affected (Ambry internal data). This variant is considered to be rare based on population cohorts in the Genome Aggregation Database (gnomAD). Based on the supporting evidence, this alteration is interpreted as a disease-causing mutation.

Labcorp Genetics (formerly Invitae), Labcorp
Classification: Pathogenic for Familial adenomatous polyposis 1. Last evaluated: 2023-08-02. Review status: criteria provided, single submitter. Criteria: Invitae Variant Classification Sherloc (09022015). Collection method: clinical testing. Allele origin: germline.
Comment: For these reasons, this variant has been classified as Pathogenic. A different truncation (p.Tyr2645Lysfs*14) that lies downstream of this variant has been determined to be pathogenic (PMID: 9824584, 1316610, 27081525, 8381579, 22135120, Invitae). This suggests that deletion of this region of the APC protein is causative of disease. This variant is expected to disrupt the EB1 and HDLG binding sites, which mediate interactions with the cytoskeleton (PMID: 15311282, 17293347). While functional studies have not been performed to directly test the effect on APC protein function, this suggests that disruption of the C-terminal portion of the protein is functionally important. ClinVar contains an entry for this variant (Variation ID: 1446703). This variant has not been reported in the literature in individuals affected with APC-related conditions. This variant is not present in population databases (gnomAD no frequency). This sequence change creates a premature translational stop signal (p.Ser1214Argfs*51) in the APC gene. While this is not anticipated to result in nonsense mediated decay, it is expected to disrupt the last 1630 amino acid(s) of the APC protein.

Myriad Genetics, Inc.
Classification: Pathogenic for Familial adenomatous polyposis 1. Last evaluated: 2023-05-09. Review status: criteria provided, single submitter. Criteria: Myriad Autosomal Dominant, Autosomal Recessive and X-Linked Classification Criteria (2023). Collection method: clinical testing. Allele origin: unknown.
Comment: This variant is considered pathogenic. This variant creates a frameshift predicted to result in premature protein truncation.

Baylor Genetics
Classification: Likely pathogenic for Familial adenomatous polyposis 1. Last evaluated: 2023-01-18. Review status: criteria provided, single submitter. Criteria: ACMG Guidelines, 2015. Collection method: clinical testing. Allele origin: unknown.

Literature cited by the submitters: PubMed 9824584 (cited by Labcorp Genetics (formerly Invitae), Labcorp); PubMed 1316610 (cited by Labcorp Genetics (formerly Invitae), Labcorp); PubMed 27081525 (cited by Labcorp Genetics (formerly Invitae), Labcorp); PubMed 8381579 (cited by Labcorp Genetics (formerly Invitae), Labcorp); PubMed 22135120 (cited by Labcorp Genetics (formerly Invitae), Labcorp); PubMed 15311282 (cited by Labcorp Genetics (formerly Invitae), Labcorp); PubMed 17293347 (cited by Labcorp Genetics (formerly Invitae), Labcorp).